The following is an entry in ClinVar:

ClinVar aggregate classification (germline): Likely benign (0 of 4 stars; one submission).

Conditions:
TRPM3-related disorder. Also called: TRPM3-related condition.

Allele frequency attached by ClinVar (database versions not stated): gnomAD exomes 0.00006; ExAC 0.00010; gnomAD 0.00011; 1000 Genomes Project 30x 0.00016; TOPMed 0.00019; 1000 Genomes Project 0.00020; ESP Exome Variant Server 0.00054.
gnomAD v4.1: 114 of 1,597,548 alleles (0.0071%); highest among the groups gnomAD compares: African/African-American, 0.027%; no homozygotes.

Submission:

PreventionGenetics, part of Exact Sciences
Classification: Likely benign for TRPM3-related condition. Last evaluated: 2019-05-24. Review status: no assertion criteria provided. Collection method: clinical testing. Allele origin: germline.
Comment: This variant is classified as likely benign based on ACMG/AMP sequence variant interpretation guidelines (Richards et al. 2015 PMID: 25741868, with internal and published modifications).

NM_001366145.2(TRPM3):c.2129+8C>T

Gene: TRPM3 (transient receptor potential cation channel subfamily M member 3; minus strand). Cytogenetic location: 9q21.12.
Variant type: single nucleotide variant.
Coding change: c.2129+8C>T on transcript NM_001366145.2 (MANE Select); 8 bases into the intron after coding-DNA position 2129, C replaced by T.
Molecular consequence: intron variant.
Genome position (GRCh38, 1-based): chr9:70,620,068, G>A on the plus strand (C>T on the coding strand, the complement: TRPM3 is on the minus strand). VCF-style: chr9-70620068-G-A. GRCh37 (hg19) VCF-style: chr9-73234984-G-A.
Other names: c.2099+8C>T (NM_001366143.2, NM_001366141.2, NM_001366149.2); c.2135+8C>T (NM_001366142.2); c.2063+8C>T (NM_001366150.2); c.2093+8C>T (NM_001366151.2, NM_001007471.4); c.2129+8C>T (NM_001366146.2); c.2174+8C>T (NM_001366148.2); c.2204+8C>T (NM_001366152.2, NM_001366147.2); c.1604+8C>T (NM_206944.5); and 5 more.
Identifiers: ClinVar variation 3038861 (VCV003038861.2), dbSNP rs199540842, ClinGen allele CA5078391.
Genomic context (GRCh38, chr9:70,620,068, plus strand): 5'-TCTCCAGCACTGGGAGCCCACCTTTCCTCCTCTCCCCCTGACCAGCCCATTTTGCTGGGC[G>A]GACCCACCTGGAATTGTGATTCAGCTCCTGGGAAATGTCGTCAACCATGTCGTTCTCAGA-3'